The following is an entry in ClinVar:

NM_007373.4(SHOC2):c.726G>A (p.Thr242=)

Gene: SHOC2 (SHOC2 leucine rich repeat scaffold protein; plus strand). Cytogenetic location: 10q25.2.
Variant type: single nucleotide variant.
Coding change: c.726G>A on transcript NM_007373.4 (MANE Select); coding-DNA position 726, G replaced by A.
Protein change: p.Thr242=; no amino-acid change (threonine 242 retained).
Molecular consequence: synonymous variant. On other transcripts: non-coding transcript variant (1), intron variant (1).
Genome position (GRCh38, 1-based): chr10:110,985,650, G>A. VCF-style: chr10-110985650-G-A. GRCh37 (hg19) VCF-style: chr10-112745408-G-A.
Other names: c.726G>A, p.Thr242= (NM_001324336.2, NM_001324337.2); c.704-14765G>A (NM_001269039.3).
Identifiers: ClinVar variation 1950480 (VCV001950480.30), dbSNP rs775815588, ClinGen allele CA471379514.

ClinVar aggregate classification (germline): Likely benign. Review status: criteria provided, multiple submitters, no conflicts (2 of 4 stars). 3 submissions from 3 submitters: Likely benign (3). Last evaluated 2024-11-02.

Conditions:
RASopathy. Also called: rasopathies; Noonan spectrum disorder. Identifiers: Orphanet 536391, MedGen C5555857, MONDO:0021060.

Allele frequency attached by ClinVar (database versions not stated): TOPMed 0.00001.
gnomAD v4.1: 7 of 1,610,990 alleles (0.00043%); highest among the groups gnomAD compares: African/African-American, 0.0027%; no homozygotes.

Submissions (3):

Labcorp Genetics (formerly Invitae), Labcorp
Classification: Likely benign for RASopathy. Last evaluated: 2024-11-02. Review status: criteria provided, single submitter. Criteria: Invitae Variant Classification Sherloc (09022015). Collection method: clinical testing. Allele origin: germline.

CeGaT Center for Human Genetics Tuebingen
Classification: Likely benign. Last evaluated: 2023-03-01. Review status: criteria provided, single submitter. Criteria: CeGaT Center For Human Genetics Tuebingen Variant Classification Criteria Version 2. Collection method: clinical testing. Allele origin: germline. Affected: yes. Observed: 1 variant allele.
Comment: SHOC2: BP4, BP7

Blueprint Genetics
Classification: Likely benign. Last evaluated: 2020-09-28. Review status: criteria provided, single submitter. Criteria: ACMG Guidelines, 2015. Collection method: clinical testing. Allele origin: germline.